The following is an entry in ClinVar:

ClinVar aggregate classification (germline): Uncertain significance (1 of 4 stars; one submission).

Conditions:
Aortic aneurysm, familial thoracic 8 (AAT8). Identifiers: MedGen C3809513, MONDO:0014187, OMIM 615436.

gnomAD v4.1: 1 of 1,580,584 alleles (0.000063%); no homozygotes.

Submission:

Labcorp Genetics (formerly Invitae), Labcorp
Classification: Uncertain significance for Aortic aneurysm, familial thoracic 8. Last evaluated: 2021-11-15. Review status: criteria provided, single submitter. Criteria: Invitae Variant Classification Sherloc (09022015). Collection method: clinical testing. Allele origin: germline.
Comment: In summary, the available evidence is currently insufficient to determine the role of this variant in disease. Therefore, it has been classified as a Variant of Uncertain Significance. Algorithms developed to predict the effect of sequence changes on RNA splicing suggest that this variant may disrupt the consensus splice site. This variant has not been reported in the literature in individuals affected with PRKG1-related conditions. This variant is not present in population databases (gnomAD no frequency). This sequence change falls in intron 11 of the PRKG1 gene. It does not directly change the encoded amino acid sequence of the PRKG1 protein.

NM_006258.4(PRKG1):c.1314-8A>G

Gene: PRKG1 (protein kinase cGMP-dependent 1; plus strand). Cytogenetic location: 10q21.1.
Variant type: single nucleotide variant.
Coding change: c.1314-8A>G on transcript NM_006258.4 (MANE Select); 8 bases into the intron before coding-DNA position 1314, A replaced by G.
Molecular consequence: intron variant.
Genome position (GRCh38, 1-based): chr10:52,272,384, A>G. VCF-style: chr10-52272384-A-G. GRCh37 (hg19) VCF-style: chr10-54032144-A-G.
Other names: c.1269-8A>G (NM_001098512.3); c.105-8A>G (NM_001374781.1).
Identifiers: ClinVar variation 1461644 (VCV001461644.6), dbSNP rs2132434246, ClinGen allele CA2573145186.